The following is an entry in ClinVar:

ClinVar aggregate classification (germline): Conflicting classifications of pathogenicity. Review status: criteria provided, conflicting classifications (1 of 4 stars). 13 submissions from 13 submitters: Pathogenic (7); Likely pathogenic (4); Uncertain significance (1). 1 of the submissions does not count toward it. Last evaluated 2026-07-07.

Conditions:
Possible mitochondrial disorder - nuclear genes.
Combined oxidative phosphorylation deficiency 35 (COXPD35). Identifiers: MedGen C4693466, MONDO:0054742, OMIM 617873.
Inborn genetic diseases. Identifiers: MedGen C0950123, MeSH D030342.
TRIT1-related disorder. Also called: TRIT1-related condition.

Allele frequency attached by ClinVar (database versions not stated): TOPMed 0.00034; ESP Exome Variant Server 0.00038; ExAC 0.00039; gnomAD exomes 0.00065 and 0.00050; gnomAD 0.00052.
gnomAD v4.1: 1,008 of 1,613,988 alleles (0.062%); highest among the groups gnomAD compares: Non-Finnish European, 0.07%; no homozygotes.

Submissions (13):

PreventionGenetics, part of Exact Sciences
Classification: Likely pathogenic for TRIT1-related condition. Last evaluated: 2026-07-07. Review status: criteria provided, single submitter. Criteria: ACMG Guidelines, 2015. Collection method: clinical testing. Allele origin: germline.
Comment: The TRIT1 c.979C>T variant is predicted to result in premature protein termination (p.Arg327*). This variant has been reported in the compound heterozygous state in individuals with combined oxidative phosphorylation deficiency 35 (Muylle et al. 2022. PubMed ID: 36047296; Smol et al. 2022. PubMed ID: 36049610; Aaltio et al. 2023. PubMed ID: 37563452). This variant is reported in 0.18% of alleles in individuals of European (Finnish) descent in gnomAD. Nonsense variants in TRIT1 are expected to be pathogenic. This variant is interpreted as likely pathogenic.

Victorian Clinical Genetics Services, Murdoch Childrens Research Institute
Classification: Pathogenic for Combined oxidative phosphorylation deficiency 35. Last evaluated: 2026-06-30. Review status: criteria provided, single submitter. Criteria: ACMG Guidelines, 2015. Collection method: clinical testing. Allele origin: germline. Affected: yes.
Comment: This variant is classified as Pathogenic. Evidence in support of pathogenic classification: Variant is predicted to cause nonsense-mediated decay (NMD) and loss of protein (premature termination codon is located at least 54 nucleotides upstream of the final exon-exon junction); Variant is present in gnomAD (v2) <0.01 for a recessive condition (139 heterozygotes, 0 homozygotes); This variant has strong previous evidence of pathogenicity in unrelated individuals. This variant has been reported as likely pathogenic or pathogenic, with limited clinical information provided (ClinVar, LOVD). It has also been reported in a compound heterozygous state in two individuals with clinical features including microcephaly and motor delay (PMID: 36047296, PMID: 36049610); Other NMD-predicted variants comparable to the one identified in this case have strong previous evidence for pathogenicity. These variants have been reported as likely pathogenic or pathogenic, and observed in a compound heterozygous state in several individuals with mitochondrial disease (ClinVar, PMID: 36047296, PMID: 36049610). Additional information: This variant is heterozygous; This gene is associated with autosomal recessive disease; No published segregation evidence has been identified for this variant; Loss of function is a known mechanism of disease in this gene and is associated with combined oxidative phosphorylation deficiency 35 (MIM#617873).

Genetics Laboratory, Great Ormond Street Hospital NHS Foundation Trust, North Thames Genomic Laboratory Hub
Classification: Likely pathogenic for Possible mitochondrial disorder - nuclear genes. Last evaluated: 2026-06-22. Review status: criteria provided, single submitter. Criteria: ACGS Best Practice Guidelines for Variant Classification in Rare Disease 2024 v1.2. Collection method: clinical testing. Allele origin: germline. Affected: yes.
Comment: PVS1_very-strong, PP4_supporting

Labcorp Genetics (formerly Invitae), Labcorp
Classification: Pathogenic. Last evaluated: 2025-10-03. Review status: criteria provided, single submitter. Criteria: Invitae Variant Classification Sherloc (09022015). Collection method: clinical testing. Allele origin: germline.
Comment: This sequence change creates a premature translational stop signal (p.Arg327*) in the TRIT1 gene. It is expected to result in an absent or disrupted protein product. Loss-of-function variants in TRIT1 are known to be pathogenic (PMID: 24901367, 28185376). This variant is present in population databases (rs144042123, gnomAD 0.2%), and has an allele count higher than expected for a pathogenic variant. This variant has not been reported in the literature in individuals affected with TRIT1-related conditions. ClinVar contains an entry for this variant (Variation ID: 432133). Algorithms developed to predict the effect of sequence changes on RNA splicing suggest that this variant may disrupt the consensus splice site. For these reasons, this variant has been classified as Pathogenic.

Dasa
Classification: Pathogenic. Last evaluated: 2025-09-18. Review status: criteria provided, single submitter. Criteria: DASA Assertion Criteria. Collection method: clinical testing. Allele origin: germline.
Comment: NM_017646.6(TRIT1):c.979C>T (p.Arg327*) introduces a premature termination codon predicted to result in loss of normal protein function. Loss-of-function is an established mechanism of disease for this gene. This variant has been observed in affected individuals with related phenotype in a genotype context consistent with recessive disease (PMID: 36047296). Functional evidence supports a deleterious effect on the gene or gene product (PMID: 36047296). This variant has been reported in individuals with related phenotype (PMID: 36047296). Segregation evidence has been reported in affected families. The variant is present at low frequency in population datasets. Based on the available data, this variant is classified as pathogenic.

Women's Health and Genetics/Laboratory Corporation of America, LabCorp
Classification: Pathogenic for Combined oxidative phosphorylation deficiency 35. Last evaluated: 2025-04-08. Review status: criteria provided, single submitter. Criteria: LabCorp Variant Classification Summary - May 2015. Collection method: clinical testing. Allele origin: germline.
Comment: Variant summary: TRIT1 c.979C>T (p.Arg327X) results in a premature termination codon, predicted to cause a truncation of the encoded protein or absence of the protein due to nonsense mediated decay, which are commonly known mechanisms for disease. The variant allele was found at a frequency of 0.0005 in 251340 control chromosomes (gnomAD). c.979C>T has been reported in the literature in at least an individual affected with combined oxidative phosphorylation deficiency (Muylle_2022). The following publication has been ascertained in the context of this evaluation (PMID: 36047296). ClinVar contains an entry for this variant (Variation ID: 432133). Based on the evidence outlined above, the variant was classified as pathogenic.

Blueprint Genetics
Classification: Uncertain significance. Last evaluated: 2024-11-06. Review status: criteria provided, single submitter. Criteria: ACMG Guidelines, 2015. Collection method: clinical testing. Allele origin: germline.

Fulgent Genetics
Classification: Pathogenic for Combined oxidative phosphorylation deficiency 35. Last evaluated: 2024-01-15. Review status: criteria provided, single submitter. Criteria: ACMG Guidelines, 2015. Collection method: clinical testing. Allele origin: germline.

Revvity Omics, Revvity
Classification: Likely pathogenic for Combined oxidative phosphorylation deficiency 35. Last evaluated: 2022-09-30. Review status: criteria provided, single submitter. Criteria: ACMG Guidelines, 2015. Collection method: clinical testing. Allele origin: germline.

Ambry Genetics
Classification: Pathogenic for Inborn genetic diseases. Last evaluated: 2021-05-05. Review status: criteria provided, single submitter. Criteria: Ambry Variant Classification Scheme 2023. Collection method: clinical testing. Allele origin: germline.
Comment: The c.979C>T (p.R327*) alteration, located in coding exon 8 of the TRIT1 gene, consists of a C to T substitution at nucleotide position 979. This changes the amino acid from an arginine (R) to a stop codon at amino acid position 327. This alteration is expected to result in loss of function by premature protein truncation or nonsense-mediated mRNA decay. Based on data from gnomAD, the T allele has an overall frequency of 0.05% (139/282732) total alleles studied. The highest observed frequency was 0.18% (46/25114) of European (Finnish) alleles. Based on the available evidence, this alteration is classified as pathogenic.

Institute of Human Genetics, University of Leipzig Medical Center
Classification: Likely pathogenic for Combined oxidative phosphorylation deficiency 35. Last evaluated: 2020-07-15. Review status: criteria provided, single submitter. Criteria: ACMG Guidelines, 2015. Collection method: clinical testing. Allele origin: paternal. Inheritance: Autosomal recessive inheritance. Affected: yes.

Juno Genomics, Hangzhou Juno Genomics, Inc
Classification: Pathogenic for Combined oxidative phosphorylation deficiency 35. Review status: criteria provided, single submitter. Criteria: ACMG Guidelines, 2015. Collection method: clinical testing. Allele origin: germline.
Comment: Absent from controls (or at extremely low frequency if recessive) in Genome Aggregation Database.;Null variant in a gene where loss of function (LOF) is a known mechanism of disease.;For recessive disorders, detected in trans with a pathogenic variant.

OMIM
Classification: Pathogenic for COMBINED OXIDATIVE PHOSPHORYLATION DEFICIENCY 35. Last evaluated: 2024-02-05. Review status: no assertion criteria provided. Collection method: literature only. Allele origin: germline. Not counted in ClinVar's aggregate classification.

Literature cited by the submitters: PubMed 36047296 (cited by 4 submitters); PubMed 36049610 (cited by Victorian Clinical Genetics Services, Murdoch Childrens Research Institute); PubMed 24901367 (cited by Labcorp Genetics (formerly Invitae), Labcorp); PubMed 28185376 (cited by Labcorp Genetics (formerly Invitae), Labcorp).

NM_017646.6(TRIT1):c.979C>T (p.Arg327Ter)

Gene: TRIT1 (tRNA isopentenyltransferase 1; minus strand). Cytogenetic location: 1p34.2.
Variant type: single nucleotide variant.
Coding change: c.979C>T on transcript NM_017646.6 (MANE Select); coding-DNA position 979, C replaced by T.
Protein change: p.Arg327Ter; replaces arginine 327 with a stop codon.
Molecular consequence: nonsense. On other transcripts: intron variant (1).
Genome position (GRCh38, 1-based): chr1:39,847,247, G>A on the plus strand (C>T on the coding strand, the complement: TRIT1 is on the minus strand). VCF-style: chr1-39847247-G-A. GRCh37 (hg19) VCF-style: chr1-40312919-G-A.
Other names: c.733C>T, p.Arg245Ter (NM_001312692.2); c.928+301C>T (NM_001312691.1); short protein forms R327*, R245*.
Identifiers: ClinVar variation 432133 (VCV000432133.32), dbSNP rs144042123, ClinGen allele CA787951.
Genomic context (GRCh38, chr1:39,847,247, plus strand): 5'-GACCCATAGGATAAAGAAAAACATGAGACTTACTGCTCAAAAAACGGTTTTTAACCCATC[G>A]GTTTTGTTTCCGGGCATATCTCTTAGTTACTTGTTTCAGAGCCTCAATACCTGAAAGATA-3'